The following is an entry in ClinVar:

ClinVar aggregate classification (germline): Uncertain significance (1 of 4 stars; one submission).

Submission:

Women's Health and Genetics/Laboratory Corporation of America, LabCorp
Classification: Uncertain significance. Last evaluated: 2024-09-04. Review status: criteria provided, single submitter. Criteria: LabCorp Variant Classification Summary - May 2015. Collection method: clinical testing. Allele origin: germline.
Comment: Variant summary: CHD4 c.1648A>G (p.Met550Val) results in a conservative amino acid change located in the Chromo/chromo shadow domain (IPR000953) of the encoded protein sequence. Three of five in-silico tools predict a benign effect of the variant on protein function. The variant was absent in 251286 control chromosomes. The available data on variant occurrences in the general population are insufficient to allow any conclusion about variant significance. To our knowledge, no occurrence of c.1648A>G in individuals affected with Sifrim-Hitz Syndrome and no experimental evidence demonstrating its impact on protein function have been reported. No submitters have cited clinical-significance assessments for this variant to ClinVar. Based on the evidence outlined above, the variant was classified as uncertain significance.

NM_001273.5(CHD4):c.1648A>G (p.Met550Val)

Gene: CHD4 (chromodomain helicase DNA binding protein 4; minus strand). Cytogenetic location: 12p13.31.
Variant type: single nucleotide variant.
Coding change: c.1648A>G on transcript NM_001273.5 (MANE Select); coding-DNA position 1648, A replaced by G.
Protein change: p.Met550Val; replaces methionine 550 with valine.
Molecular consequence: missense variant.
Genome position (GRCh38, 1-based): chr12:6,598,260, T>C on the plus strand (A>G on the coding strand, the complement: CHD4 is on the minus strand). VCF-style: chr12-6598260-T-C. GRCh37 (hg19) VCF-style: chr12-6707426-T-C.
Other names: c.1627A>G, p.Met543Val (NM_001297553.2); c.1609A>G, p.Met537Val (NM_001363606.2); short protein forms M537V, M543V, M550V.
Identifiers: ClinVar variation 3375042 (VCV003375042.1).